The following is an entry in ClinVar:

NM_004463.3(FGD1):c.772G>A (p.Glu258Lys)

Gene: FGD1 (FYVE, RhoGEF and PH domain containing 1; minus strand). Cytogenetic location: Xp11.22.
Variant type: single nucleotide variant.
Coding change: c.772G>A on transcript NM_004463.3 (MANE Select); coding-DNA position 772, G replaced by A.
Protein change: p.Glu258Lys; replaces glutamic acid 258 with lysine.
Molecular consequence: missense variant.
Genome position (GRCh38, 1-based): chrX:54,470,345, C>T on the plus strand (G>A on the coding strand, the complement: FGD1 is on the minus strand). VCF-style: chrX-54470345-C-T. GRCh37 (hg19) VCF-style: chrX-54496778-C-T.
Other names: short protein forms E258K.
Identifiers: ClinVar variation 1900312 (VCV001900312.5), dbSNP rs201366155, ClinGen allele CA10425217.

ClinVar aggregate classification (germline): Uncertain significance (1 of 4 stars; one submission).

Allele frequency attached by ClinVar (database versions not stated): gnomAD exomes 0.00006; TOPMed 0.00006; ESP Exome Variant Server 0.00019; ExAC 0.00008; gnomAD 0.00008.
gnomAD v4.1: 71 of 1,207,225 alleles (0.0059%); highest among the groups gnomAD compares: Non-Finnish European, 0.0069%; no homozygotes.

Submission:

Labcorp Genetics (formerly Invitae), Labcorp
Classification: Uncertain significance. Last evaluated: 2022-01-04. Review status: criteria provided, single submitter. Criteria: Invitae Variant Classification Sherloc (09022015). Collection method: clinical testing. Allele origin: germline.
Comment: In summary, the available evidence is currently insufficient to determine the role of this variant in disease. Therefore, it has been classified as a Variant of Uncertain Significance. Algorithms developed to predict the effect of missense changes on protein structure and function are either unavailable or do not agree on the potential impact of this missense change (SIFT: "Deleterious"; PolyPhen-2: "Benign"; Align-GVGD: "Class C55"). This variant has not been reported in the literature in individuals affected with FGD1-related conditions. The frequency data for this variant in the population databases is considered unreliable, as metrics indicate poor data quality at this position in the gnomAD database. This sequence change replaces glutamic acid, which is acidic and polar, with lysine, which is basic and polar, at codon 258 of the FGD1 protein (p.Glu258Lys).